The following is an entry in ClinVar:

ClinVar aggregate classification (germline): Uncertain significance (1 of 4 stars; one submission).

Conditions:
Primary familial hypertrophic cardiomyopathy (HCM). Identifiers: Orphanet 99739, MedGen C0949658, MeSH D024741, MONDO:0024573. Inheritance: Various modes of inheritance.
Dilated cardiomyopathy 1AA (CMD1AA). Also called: CARDIOMYOPATHY, DILATED, 1AA, WITH OR WITHOUT LEFT VENTRICULAR NONCOMPACTION; CARDIOMYOPATHY, FAMILIAL HYPERTROPHIC, 23, WITH OR WITHOUT LEFT VENTRICULAR NONCOMPACTION; Cardiomyopathy, dilated, 1AA, with or without LVNC. Identifiers: Orphanet 154, MedGen C2677338, MONDO:0012808, OMIM 612158.

Submission:

Labcorp Genetics (formerly Invitae), Labcorp
Classification: Uncertain significance for Primary familial hypertrophic cardiomyopathy; Dilated cardiomyopathy 1AA. Last evaluated: 2024-04-04. Review status: criteria provided, single submitter. Criteria: Invitae Variant Classification Sherloc (09022015). Collection method: clinical testing. Allele origin: germline.
Comment: This sequence change creates a premature translational stop signal (p.Gln812*) in the ACTN2 gene. It is expected to result in an absent or disrupted protein product. However, the current clinical and genetic evidence is not sufficient to establish whether loss-of-function variants in ACTN2 cause disease. This variant is not present in population databases (gnomAD no frequency). This variant has not been reported in the literature in individuals affected with ACTN2-related conditions. ClinVar contains an entry for this variant (Variation ID: 1388518). In summary, the available evidence is currently insufficient to determine the role of this variant in disease. Therefore, it has been classified as a Variant of Uncertain Significance.

NM_001103.4(ACTN2):c.2434C>T (p.Gln812Ter)

Gene: ACTN2 (actinin alpha 2; plus strand). Cytogenetic location: 1q43.
Variant type: single nucleotide variant.
Coding change: c.2434C>T on transcript NM_001103.4 (MANE Select); coding-DNA position 2434, C replaced by T.
Protein change: p.Gln812Ter; replaces glutamine 812 with a stop codon.
Molecular consequence: nonsense.
Genome position (GRCh38, 1-based): chr1:236,761,081, C>T. VCF-style: chr1-236761081-C-T. GRCh37 (hg19) VCF-style: chr1-236924381-C-T.
Other names: c.2434C>T, p.Gln812Ter (NM_001278343.2); c.1810C>T, p.Gln604Ter (NM_001278344.2); short protein forms Q812*, Q604*.
Identifiers: ClinVar variation 1388518 (VCV001388518.6), dbSNP rs2102951649, ClinGen allele CA345390820.